The following is an entry in ClinVar:

ClinVar aggregate classification (germline): Uncertain significance (1 of 4 stars; one submission).

Submission:

Women's Health and Genetics/Laboratory Corporation of America, LabCorp
Classification: Uncertain significance. Last evaluated: 2026-06-15. Review status: criteria provided, single submitter. Criteria: LabCorp Variant Classification Summary - May 2015. Collection method: clinical testing. Allele origin: germline.
Comment: Variant summary: SLC16A1 c.1285_1287delGTC (p.Val429del) results in an in-frame deletion that is predicted to remove one amino acid from the encoded protein. The variant was absent in 251446 control chromosomes. The available data on variant occurrences in the general population are insufficient to allow any conclusion about variant significance. To our knowledge, no occurrence of c.1285_1287delGTC in individuals affected with SLC16A1-related conditions and no experimental evidence demonstrating its impact on protein function have been reported. No submitters have cited clinical-significance assessments for this variant to ClinVar. Based on the evidence outlined above, the variant was classified as uncertain significance.

NM_003051.4(SLC16A1):c.1282GTC[1] (p.Val429del)

Gene: SLC16A1 (solute carrier family 16 member 1; minus strand). Cytogenetic location: 1p13.2.
Variant type: Microsatellite.
Coding change: c.1282GTC[1] on transcript NM_003051.4 (MANE Select); one copy of the 3-base unit GTC starting at c.1282; the reference has two copies in a row; one copy, 3 bases deleted.
Protein change: p.Val429del; deletes valine 429.
Molecular consequence: inframe deletion.
Genome position (GRCh38, 1-based): chr1:112,914,107-112,914,109, GAC deleted on the plus strand (GTC on the coding strand, the reverse complement: SLC16A1 is on the minus strand); deleting any 3 consecutive bases within chr1:112,914,107-112,914,113 gives the same sequence; the position shown is the placement nearest the transcript's 3' end. VCF-style (leftmost placement, unchanged base first): chr1-112914106-GGAC-G. GRCh37 (hg19) VCF-style: chr1-113456728-GGAC-G.
Other names: c.1282GTC[1], p.Val429del (NM_001166496.2); c.1285_1287delGTC (NM_003051.4); short protein forms V429del.
Identifiers: ClinVar variation 4887232 (VCV004887232.1).